The following is an entry in ClinVar:

NM_017999.5(RNF31):c.980G>A (p.Arg327Gln)

Gene: RNF31 (ring finger protein 31; plus strand). Cytogenetic location: 14q12.
Variant type: single nucleotide variant.
Coding change: c.980G>A on transcript NM_017999.5 (MANE Select); coding-DNA position 980, G replaced by A.
Protein change: p.Arg327Gln; replaces arginine 327 with glutamine.
Molecular consequence: missense variant.
Genome position (GRCh38, 1-based): chr14:24,150,231, G>A. VCF-style: chr14-24150231-G-A. GRCh37 (hg19) VCF-style: chr14-24619440-G-A.
Other names: c.527G>A, p.Arg176Gln (NM_001310332.2); c.980G>A (NM_017999.4); short protein forms R327Q, R176Q.
Identifiers: ClinVar variation 2185037 (VCV002185037.5), dbSNP rs759512304, ClinGen allele CA7125675.

ClinVar aggregate classification (germline): Uncertain significance. Review status: criteria provided, multiple submitters, no conflicts (2 of 4 stars). 2 submissions from 2 submitters: Uncertain significance (2). Last evaluated 2025-12-01.

Allele frequency attached by ClinVar (database versions not stated): gnomAD 0.00001; TOPMed 0.00001; gnomAD exomes 0.00002; ExAC 0.00006.

Submissions (2):

Labcorp Genetics (formerly Invitae), Labcorp
Classification: Uncertain significance. Last evaluated: 2025-12-01. Review status: criteria provided, single submitter. Criteria: Invitae Variant Classification Sherloc (09022015). Collection method: clinical testing. Allele origin: germline.
Comment: This sequence change replaces arginine, which is basic and polar, with glutamine, which is neutral and polar, at codon 327 of the RNF31 protein (p.Arg327Gln). This variant is present in population databases (rs759512304, gnomAD 0.05%). This variant has not been reported in the literature in individuals affected with RNF31-related conditions. ClinVar contains an entry for this variant (Variation ID: 2185037). An algorithm developed to predict the effect of missense changes on protein structure and function (PolyPhen-2) suggests that this variant is likely to be disruptive. In summary, the available evidence is currently insufficient to determine the role of this variant in disease. Therefore, it has been classified as a Variant of Uncertain Significance.

Ambry Genetics
Classification: Uncertain significance. Last evaluated: 2025-09-10. Review status: criteria provided, single submitter. Criteria: Ambry Variant Classification Scheme 2023. Collection method: clinical testing. Allele origin: germline.